The following is an entry in ClinVar:

ClinVar aggregate classification (germline): Uncertain significance. Review status: criteria provided, multiple submitters, no conflicts (2 of 4 stars). 6 submissions from 6 submitters: Uncertain significance (6). Last evaluated 2024-09-23.

Conditions:
Aortic aneurysm, familial thoracic 4 (AAT4). Also called: AORTIC ANEURYSM/AORTIC DISSECTION AND PATENT DUCTUS ARTERIOSUS. Identifiers: MedGen C1851504, MONDO:0007568, OMIM 132900.
Visceral myopathy 2. Identifiers: MedGen C5543466, MONDO:0859157, OMIM 619350.
Megacystis-microcolon-intestinal hypoperistalsis syndrome 2. Identifiers: MedGen C5543476, MONDO:0025708, OMIM 619351.
Familial thoracic aortic aneurysm and aortic dissection (TAAD). Also called: Thoracic aortic aneurysms and dissections. Identifiers: Orphanet 91387, MedGen C4707243, MONDO:0019625.

Allele frequency attached by ClinVar (database versions not stated): gnomAD exomes 0.00001; gnomAD 0.00003 and 0.00004; TOPMed 0.00003.
gnomAD v4.1: 47 of 1,610,344 alleles (0.0029%); highest among the groups gnomAD compares: Middle Eastern, 0.016%; no homozygotes.

Submissions (6):

All of Us Research Program, National Institutes of Health
Classification: Uncertain significance for Familial thoracic aortic aneurysm and aortic dissection. Last evaluated: 2024-09-23. Review status: criteria provided, single submitter. Criteria: ACMG Guidelines, 2015. Collection method: clinical testing. Allele origin: germline. Inheritance: Autosomal dominant inheritance. Observed: 4 variant alleles, 4 heterozygotes.
Comment: This missense variant replaces alanine with serine at codon 936 of the MYH11 protein. Computational prediction suggests that this variant may not impact protein structure and function (internally defined REVEL score threshold <= 0.5, PMID: 27666373). To our knowledge, functional studies have not been reported for this variant. This variant has not been reported in individuals affected with MYH11-related disorders in the literature. This variant has been identified in 4/280178 chromosomes in the general population by the Genome Aggregation Database (gnomAD). The available evidence is insufficient to determine the role of this variant in disease conclusively. Therefore, this variant is classified as a Variant of Uncertain Significance.

This study involves interpretation of variants in research participants for the purpose of population health screening. Participant phenotype was not available at the time of variant classification. Additional details can be found in publication PMID: 35346344, PMCID: PMC8962531

Color Diagnostics, LLC DBA Color Health
Classification: Uncertain significance for Familial thoracic aortic aneurysm and aortic dissection. Last evaluated: 2024-03-28. Review status: criteria provided, single submitter. Criteria: ACMG Guidelines, 2015. Collection method: clinical testing. Allele origin: germline.
Comment: This missense variant replaces alanine with serine at codon 936 of the MYH11 protein. Computational prediction suggests that this variant may not impact protein structure and function (internally defined REVEL score threshold <= 0.5, PMID: 27666373). To our knowledge, functional studies have not been reported for this variant. This variant has not been reported in individuals affected with MYH11-related disorders in the literature. This variant has been identified in 4/280178 chromosomes in the general population by the Genome Aggregation Database (gnomAD). The available evidence is insufficient to determine the role of this variant in disease conclusively. Therefore, this variant is classified as a Variant of Uncertain Significance.

Labcorp Genetics (formerly Invitae), Labcorp
Classification: Uncertain significance for Aortic aneurysm, familial thoracic 4. Last evaluated: 2024-02-13. Review status: criteria provided, single submitter. Criteria: Invitae Variant Classification Sherloc (09022015). Collection method: clinical testing. Allele origin: germline.
Comment: This sequence change replaces alanine, which is neutral and non-polar, with serine, which is neutral and polar, at codon 936 of the MYH11 protein (p.Ala936Ser). This variant is present in population databases (no rsID available, gnomAD 0.02%). This variant has not been reported in the literature in individuals affected with MYH11-related conditions. ClinVar contains an entry for this variant (Variation ID: 839295). Advanced modeling of protein sequence and biophysical properties (such as structural, functional, and spatial information, amino acid conservation, physicochemical variation, residue mobility, and thermodynamic stability) performed at Invitae indicates that this missense variant is not expected to disrupt MYH11 protein function with a negative predictive value of 95%. In summary, the available evidence is currently insufficient to determine the role of this variant in disease. Therefore, it has been classified as a Variant of Uncertain Significance.

Women's Health and Genetics/Laboratory Corporation of America, LabCorp
Classification: Uncertain significance. Last evaluated: 2023-07-21. Review status: criteria provided, single submitter. Criteria: LabCorp Variant Classification Summary - May 2015. Collection method: clinical testing. Allele origin: germline.

Ambry Genetics
Classification: Uncertain significance for Familial thoracic aortic aneurysm and aortic dissection. Last evaluated: 2022-03-22. Review status: criteria provided, single submitter. Criteria: Ambry Variant Classification Scheme 2023. Collection method: clinical testing. Allele origin: germline.
Comment: The p.A929S variant (also known as c.2785G>T), located in coding exon 21 of the MYH11 gene, results from a G to T substitution at nucleotide position 2785. The alanine at codon 929 is replaced by serine, an amino acid with similar properties. This amino acid position is conserved. In addition, this alteration is predicted to be tolerated by in silico analysis. Since supporting evidence is limited at this time, the clinical significance of this alteration remains unclear.

Fulgent Genetics
Classification: Uncertain significance for Aortic aneurysm, familial thoracic 4; Visceral myopathy 2; Megacystis-microcolon-intestinal hypoperistalsis syndrome 2. Last evaluated: 2021-08-20. Review status: criteria provided, single submitter. Criteria: ACMG Guidelines, 2015. Collection method: clinical testing. Allele origin: unknown.

NM_002474.3(MYH11):c.2785G>T (p.Ala929Ser)

Gene: MYH11 (myosin heavy chain 11; minus strand). Cytogenetic location: 16p13.11.
Variant type: single nucleotide variant.
Coding change: c.2785G>T on transcript NM_002474.3 (MANE Select); coding-DNA position 2785, G replaced by T.
Protein change: p.Ala929Ser; replaces alanine 929 with serine.
Molecular consequence: missense variant.
Genome position (GRCh38, 1-based): chr16:15,741,537, C>A on the plus strand (G>T on the coding strand, the complement: MYH11 is on the minus strand). VCF-style: chr16-15741537-C-A. GRCh37 (hg19) VCF-style: chr16-15835394-C-A.
Other names: c.2806G>T, p.Ala936Ser (NM_001040113.2, NM_001040114.2); c.2785G>T, p.Ala929Ser (NM_022844.3); short protein forms A929S, A936S.
Identifiers: ClinVar variation 839295 (VCV000839295.15), dbSNP rs906679954, ClinGen allele CA278627180.